The following is an entry in ClinVar:

ClinVar aggregate classification (germline): Benign. Review status: criteria provided, single submitter (1 of 4 stars). 2 submissions from 2 submitters: Benign (1). 1 of the submissions does not count toward it. Last evaluated 2017-10-11.

Allele frequency attached by ClinVar (database versions not stated): gnomAD exomes 0.00270 and 0.00746; gnomAD 0.02792 and 0.02617; 1000 Genomes Project 30x 0.03101; ExAC 0.01102; TOPMed 0.03013; 1000 Genomes Project 0.03152; ESP Exome Variant Server 0.03200.
gnomAD v4.1: 5,877 of 1,137,098 alleles (0.52%); highest among the groups gnomAD compares: African/African-American, 9%; 185 homozygotes.

Submissions (2):

Mayo Clinic Laboratories, Mayo Clinic
Classification: Benign. Last evaluated: 2017-10-11. Review status: criteria provided, single submitter. Criteria: ACMG Guidelines, 2015. Collection method: clinical testing. Allele origin: germline. Observed: 19 variant alleles.

Genetic Services Laboratory, University of Chicago
Classification: Likely benign for AllHighlyPenetrant. Review status: no assertion criteria provided. Collection method: clinical testing. Allele origin: germline. Inheritance: X-linked inheritance. Not counted in ClinVar's aggregate classification.
Comment: Likely benign based on allele frequency in 1000 Genomes Project or ESP global frequency and its presence in a patient with a rare or unrelated disease phenotype. NOT Sanger confirmed.

NM_002024.6(FMR1):c.1737+8C>A

Gene: FMR1 (fragile X messenger ribonucleoprotein 1; plus strand). Cytogenetic location: Xq27.3.
Variant type: single nucleotide variant.
Coding change: c.1737+8C>A on transcript NM_002024.6 (MANE Select); 8 bases into the intron after coding-DNA position 1737, C replaced by A.
Molecular consequence: intron variant.
Genome position (GRCh38, 1-based): chrX:147,945,624, C>A. VCF-style: chrX-147945624-C-A. GRCh37 (hg19) VCF-style: chrX-147027144-C-A.
Other names: p.?; c.1466+8C>A (NM_001185075.2); c.1674+8C>A (NM_001185076.2); c.1599+8C>A (NM_001185082.2); c.1403+8C>A (NM_001185081.2).
Identifiers: ClinVar variation 129105 (VCV000129105.7), dbSNP rs73606790, ClinGen allele CA152899.